The following is an entry in ClinVar:

ClinVar aggregate classification (germline): Benign (1 of 4 stars; one submission).

Conditions:
Erythrocytosis, familial, 3 (ECYT3). Identifiers: Orphanet 247511, MedGen C1853286, MONDO:0012353, OMIM 609820.

Allele frequency attached by ClinVar (database versions not stated): 1000 Genomes Project 0.00260; 1000 Genomes Project 30x 0.00874.

Submission:

Illumina Laboratory Services, Illumina
Classification: Benign for Erythrocytosis, familial, 3. Last evaluated: 2018-01-12. Review status: criteria provided, single submitter. Criteria: ICSL Variant Classification Criteria 13 December 2019. Collection method: clinical testing. Allele origin: germline.
Comment: This variant was observed in the ICSL laboratory as part of a predisposition screen in an ostensibly healthy population. It had not been previously curated by ICSL or reported in the Human Gene Mutation Database (HGMD: prior to June 1st, 2018), and was therefore a candidate for classification through an automated scoring system. Utilizing variant allele frequency, disease prevalence and penetrance estimates, and inheritance mode, an automated score was calculated to assess if this variant is too frequent to cause the disease. Based on the score and internal cut-off values, a variant classified as benign is not then subjected to further curation. The score for this variant resulted in a classification of benign for this disease.

NM_022051.2(EGLN1):c.-531A>C

Gene: EGLN1 (egl-9 family hypoxia inducible factor 1; minus strand). Cytogenetic location: 1q42.2.
Variant type: single nucleotide variant.
Coding change: c.-531A>C on transcript NM_022051.2; 531 bases upstream of the start codon, A replaced by C.
Genome position (GRCh38, 1-based): chr1:231,422,419, T>G on the plus strand (A>C on the coding strand, the complement: EGLN1 is on the minus strand). VCF-style: chr1-231422419-T-G. GRCh37 (hg19) VCF-style: chr1-231558165-T-G.
Identifiers: ClinVar variation 874330 (VCV000874330.6), dbSNP rs113172460, ClinGen allele CA38949929.